The following is an entry in ClinVar:

NM_014991.6(WDFY3):c.47G>T (p.Cys16Phe)

Gene: WDFY3 (WD repeat and FYVE domain containing 3; minus strand). Cytogenetic location: 4q21.23.
Variant type: single nucleotide variant.
Coding change: c.47G>T on transcript NM_014991.6 (MANE Select); coding-DNA position 47, G replaced by T.
Protein change: p.Cys16Phe; replaces cysteine 16 with phenylalanine.
Molecular consequence: missense variant.
Genome position (GRCh38, 1-based): chr4:84,860,545, C>A on the plus strand (G>T on the coding strand, the complement: WDFY3 is on the minus strand). VCF-style: chr4-84860545-C-A. GRCh37 (hg19) VCF-style: chr4-85781698-C-A.
Other names: short protein forms C16F.
Identifiers: ClinVar variation 2662881 (VCV002662881.1), dbSNP rs1407139874, ClinGen allele CA357557223.

ClinVar aggregate classification (germline): Uncertain significance (1 of 4 stars; one submission).

Allele frequency attached by ClinVar (database versions not stated): gnomAD exomes below 0.00001; TOPMed below 0.00001; gnomAD 0.00001.
gnomAD v4.1: 2 of 1,613,188 alleles (0.00012%); highest among the groups gnomAD compares: Non-Finnish European, 0.00017%; no homozygotes.

Submission:

GeneDx
Classification: Uncertain significance. Last evaluated: 2023-04-14. Review status: criteria provided, single submitter. Criteria: GeneDx Variant Classification Process June 2021. Collection method: clinical testing. Allele origin: germline. Affected: yes.
Comment: Not observed at significant frequency in large population cohorts (gnomAD); In silico analysis supports that this missense variant has a deleterious effect on protein structure/function; Has not been previously published as pathogenic or benign to our knowledge